The following is an entry in ClinVar:

ClinVar aggregate classification (germline): Uncertain significance (1 of 4 stars; one submission).

Conditions:
Neurodevelopmental disorder with impaired language and ataxia and with or without seizures. Identifiers: MedGen C5562006, MONDO:0859201, OMIM 619580.

gnomAD v4.1: 1 of 1,605,950 alleles (0.000062%); highest among the groups gnomAD compares: Non-Finnish European, 0.000085%; no homozygotes.

Submission:

Clinical Genetics Laboratory, University Hospital Schleswig-Holstein
Classification: Uncertain significance for Neurodevelopmental disorder with impaired language and ataxia and with or without seizures. Last evaluated: 2025-04-02. Review status: criteria provided, single submitter. Criteria: ACMG Guidelines, 2015. Collection method: clinical testing. Allele origin: maternal. Affected: yes. Observed: 1 heterozygote.
Comment: ACMG criteria applied: PM2, PVS1_Moderate, BS4_Supporting

NM_021956.5(GRIK2):c.2551C>T (p.Gln851Ter)

Gene: GRIK2 (glutamate ionotropic receptor kainate type subunit 2; plus strand). Cytogenetic location: 6q16.3.
Variant type: single nucleotide variant.
Coding change: c.2551C>T on transcript NM_021956.5 (MANE Select); coding-DNA position 2551, C replaced by T.
Protein change: p.Gln851Ter; replaces glutamine 851 with a stop codon.
Molecular consequence: nonsense.
Genome position (GRCh38, 1-based): chr6:102,055,569, C>T. VCF-style: chr6-102055569-C-T. GRCh37 (hg19) VCF-style: chr6-102503444-C-T.
Other names: c.2551C>T, p.Gln851Ter (NM_175768.3, NM_001166247.1); short protein forms Q851*.
Identifiers: ClinVar variation 5042042 (VCV005042042.1).
Genomic context (GRCh38, chr6:102,055,569, plus strand): 5'-TTGGTGCTTTCAGTTTTTGTGGCAGTGGGAGAATTTTTATACAAATCCAAAAAAAACGCT[C>T]AATTGGAAAAGGTAAATGTTACTTGTTTCAGTTTAAATTTAAAACAATTTTTGTTGTTAC-3'